The following is an entry in ClinVar:

NM_016169.4(SUFU):c.*6G>A

Gene: SUFU (SUFU negative regulator of hedgehog signaling; plus strand). Cytogenetic location: 10q24.32.
Variant type: single nucleotide variant.
Coding change: c.*6G>A on transcript NM_016169.4 (MANE Select); 6 bases downstream of the stop codon, G replaced by A.
Molecular consequence: 3 prime UTR variant.
Genome position (GRCh38, 1-based): chr10:102,630,161, G>A. VCF-style: chr10-102630161-G-A. GRCh37 (hg19) VCF-style: chr10-104389918-G-A.
Other names: c.*6G>A (NM_016169.3).
Identifiers: ClinVar variation 1195342 (VCV001195342.5), dbSNP rs375366321, ClinGen allele CA5668010.
Genomic context (GRCh38, chr10:102,630,161, plus strand): 5'-GAAGCTGAAGGTCTCCATCCTGCCTGACGTGGTGTTCGACAGTCCGCTACACTAGCCTGG[G>A]CTGGGCCCTGCAGTGGCCAGCAGGGAGCCCAGCTGCTCCCCAGTGACTTCCAGTGTAACA-3'

ClinVar aggregate classification (germline): Likely benign. Review status: criteria provided, single submitter (1 of 4 stars). 2 submissions from 2 submitters: Likely benign (1). 1 of the submissions does not count toward it. Last evaluated 2023-04-07.

Conditions:
SUFU-related disorder. Also called: SUFU-related condition; SUFU-related disorders.

gnomAD v4.1: 64 of 1,613,666 alleles (0.004%); highest among the groups gnomAD compares: Admixed American, 0.1%; 2 homozygotes.

Submissions (2):

GeneDx
Classification: Likely benign. Last evaluated: 2023-04-07. Review status: criteria provided, single submitter. Criteria: GeneDx Variant Classification Process June 2021. Collection method: clinical testing. Allele origin: germline. Affected: yes.
Comment: See Variant Classification Assertion Criteria.

PreventionGenetics, part of Exact Sciences
Classification: Likely benign for SUFU-related condition. Last evaluated: 2023-11-27. Review status: no assertion criteria provided. Collection method: clinical testing. Allele origin: germline. Not counted in ClinVar's aggregate classification.
Comment: This variant is classified as likely benign based on ACMG/AMP sequence variant interpretation guidelines (Richards et al. 2015 PMID: 25741868, with internal and published modifications).